The following is an entry in ClinVar:

ClinVar aggregate classification (germline): Uncertain significance (1 of 4 stars; one submission).

Conditions:
Deficiency of hyaluronoglucosaminidase (MPS9). Also called: Mucopolysaccharidosis type 9; HYALURONIDASE DEFICIENCY; MPS IX. Identifiers: Orphanet 67041, MedGen C1291490, MONDO:0011093, OMIM 601492.

Allele frequency attached by ClinVar (database versions not stated): gnomAD exomes below 0.00001; ExAC 0.00001.
gnomAD v4.1: 5 of 1,613,160 alleles (0.00031%); highest among the groups gnomAD compares: South Asian, 0.0044%; no homozygotes.

Submission:

Labcorp Genetics (formerly Invitae), Labcorp
Classification: Uncertain significance for Deficiency of hyaluronoglucosaminidase. Last evaluated: 2023-01-24. Review status: criteria provided, single submitter. Criteria: Invitae Variant Classification Sherloc (09022015). Collection method: clinical testing. Allele origin: germline.
Comment: This sequence change replaces alanine, which is neutral and non-polar, with threonine, which is neutral and polar, at codon 311 of the HYAL1 protein (p.Ala311Thr). In summary, the available evidence is currently insufficient to determine the role of this variant in disease. Therefore, it has been classified as a Variant of Uncertain Significance. Algorithms developed to predict the effect of missense changes on protein structure and function are either unavailable or do not agree on the potential impact of this missense change (SIFT: "Tolerated"; PolyPhen-2: "Probably Damaging"; Align-GVGD: "Class C0"). This variant has not been reported in the literature in individuals affected with HYAL1-related conditions. This variant is present in population databases (rs782551284, gnomAD 0.007%).

NM_033159.4(HYAL1):c.931G>A (p.Ala311Thr)

Gene: HYAL1 (hyaluronidase 1; minus strand). Cytogenetic location: 3p21.31.
Variant type: single nucleotide variant.
Coding change: c.931G>A on transcript NM_033159.4 (MANE Select); coding-DNA position 931, G replaced by A.
Protein change: p.Ala311Thr; replaces alanine 311 with threonine.
Molecular consequence: missense variant. On other transcripts: non-coding transcript variant (1), intron variant (1).
Genome position (GRCh38, 1-based): chr3:50,301,047, C>T on the plus strand (G>A on the coding strand, the complement: HYAL1 is on the minus strand). VCF-style: chr3-50301047-C-T. GRCh37 (hg19) VCF-style: chr3-50338478-C-T.
Other names: c.931G>A, p.Ala311Thr (NM_007312.3, NM_153281.2); c.385G>A, p.Ala129Thr (NM_153283.3); c.154G>A, p.Ala52Thr (NM_153285.3); c.901-247G>A (NM_153282.3); short protein forms A311T, A129T, A52T.
Identifiers: ClinVar variation 1947074 (VCV001947074.5), dbSNP rs782551284, ClinGen allele CA2415821.
Genomic context (GRCh38, chr3:50,301,047, plus strand): 5'-CCTTGGTTCTTGTATTTTCCCAGCTCACCCAGAGCACCACTCCAGCTGCCCCCTGGGCCG[C>T]ACTCTCCCCCAGGCTGTGCTCCAGCTCATCCTGGGAAGGAGACAGCACAGCTCTGTGGGG-3'
Protein context (NP_149349.2, residues 301-321): DELEHSLGES[Ala311Thr]AQGAAGVVLW